The following is an entry in ClinVar:

ClinVar aggregate classification (germline): Uncertain significance. Review status: criteria provided, multiple submitters, no conflicts (2 of 4 stars). 7 submissions from 7 submitters: Uncertain significance (6). 1 of the submissions does not count toward it. Last evaluated 2026-04-15.

Conditions:
Cystic fibrosis (CF). Also called: MUCOVISCIDOSIS. Identifiers: Orphanet 586, MedGen C0010674, MONDO:0009061, OMIM 219700. Disease mechanism: loss of function.
CFTR-related disorder (CFTR-RD). Also called: CFTR-related disorders; CFTR-related condition. Identifiers: MedGen C5924204, MONDO:7770004.

Allele frequency attached by ClinVar (database versions not stated): gnomAD 0.00005 and 0.00006; TOPMed 0.00007; ESP Exome Variant Server 0.00023; gnomAD exomes 0.00001 and 0.00003; ExAC 0.00006.
gnomAD v4.1: 11 of 1,614,018 alleles (0.00068%); highest among the groups gnomAD compares: African/African-American, 0.015%; no homozygotes.

Submissions (7):

Ambry Genetics
Classification: Uncertain significance for Cystic fibrosis. Last evaluated: 2026-04-15. Review status: criteria provided, single submitter. Criteria: Ambry Variant Classification Scheme 2023. Collection method: clinical testing. Allele origin: germline.
Comment: The p.Q715H variant (also known as c.2145A>C), located in coding exon 14 of the CFTR gene, results from an A to C substitution at nucleotide position 2145. The glutamine at codon 715 is replaced by histidine, an amino acid with highly similar properties. This amino acid position is not well conserved in available vertebrate species. In addition, the in silico prediction for this alteration is inconclusive. Based on the available evidence, the clinical significance of this variant remains unclear.

ARUP Laboratories, Molecular Genetics and Genomics, ARUP Laboratories
Classification: Uncertain significance. Last evaluated: 2023-10-06. Review status: criteria provided, single submitter. Criteria: ARUP Molecular Germline Variant Investigation Process 2024. Collection method: clinical testing. Allele origin: germline.
Comment: The CFTR c.2145A>C; p.Gln715His variant (rs141235765), to our knowledge, is not reported in the medical literature but is reported in ClinVar (Variation ID: 593405). This variant is found in the African population with an allele frequency of 0.04% (9/24944 alleles) in the Genome Aggregation Database. Computational analyses are uncertain whether this variant is neutral or deleterious (REVEL: 0.579). Due to limited information, the clinical significance of this variant is uncertain at this time.

PreventionGenetics, part of Exact Sciences
Classification: Uncertain significance for CFTR-related condition. Last evaluated: 2023-08-16. Review status: criteria provided, single submitter. Criteria: ACMG Guidelines, 2015. Collection method: clinical testing. Allele origin: germline.
Comment: The CFTR c.2145A>C variant is predicted to result in the amino acid substitution p.Gln715His. To our knowledge, this variant has not been reported in the literature. This variant is reported in 0.036% of alleles in individuals of African descent in gnomAD. At this time, the clinical significance of this variant is uncertain due to the absence of conclusive functional and genetic evidence.

Genome-Nilou Lab
Classification: Uncertain significance for Cystic fibrosis. Last evaluated: 2021-09-05. Review status: criteria provided, single submitter. Criteria: ACMG Guidelines, 2015. Collection method: clinical testing. Allele origin: germline. Affected: no.

Women's Health and Genetics/Laboratory Corporation of America, LabCorp
Classification: Uncertain significance. Last evaluated: 2019-08-26. Review status: criteria provided, single submitter. Criteria: LabCorp Variant Classification Summary - May 2015. Collection method: clinical testing. Allele origin: germline.
Comment: Variant summary: CFTR c.2145A>C (p.Gln715His) results in a non-conservative amino acid change located in the CFTR regulator domain (IPR025837) of the encoded protein sequence. Four of five in-silico tools predict a damaging effect of the variant on protein function. The variant allele was found at a frequency of 2.8e-05 in 251202 control chromosomes (gnomAD). The available data on variant occurrences in the general population are insufficient to allow any conclusion about variant significance. To our knowledge, no occurrence of c.2145A>C in individuals affected with Cystic Fibrosis and no experimental evidence demonstrating its impact on protein function have been reported. One submitter has provided clinical-significance assessments for this variant to ClinVar after 2014 without evidence for independent evaluation and classified the variant as uncertain significance. Based on the evidence outlined above, the variant was classified as uncertain significance.

Eurofins Ntd Llc (ga)
Classification: Uncertain significance. Last evaluated: 2017-07-26. Review status: criteria provided, single submitter. Criteria: EGL Classification Definitions 2015. Collection method: clinical testing. Allele origin: germline. Observed: 1 variant allele, 1 heterozygote.

Natera, Inc.
Classification: Uncertain significance for CFTR-related disorders. Last evaluated: 2018-08-14. Review status: no assertion criteria provided. Collection method: clinical testing. Allele origin: germline. Not counted in ClinVar's aggregate classification.

NM_000492.4(CFTR):c.2145A>C (p.Gln715His)

Gene: CFTR (CF transmembrane conductance regulator; plus strand). Cytogenetic location: 7q31.2.
Variant type: single nucleotide variant.
Coding change: c.2145A>C on transcript NM_000492.4 (MANE Select); coding-DNA position 2145, A replaced by C.
Protein change: p.Gln715His; replaces glutamine 715 with histidine.
Molecular consequence: missense variant.
Genome position (GRCh38, 1-based): chr7:117,592,312, A>C. VCF-style: chr7-117592312-A-C. GRCh37 (hg19) VCF-style: chr7-117232366-A-C.
Other names: short protein forms Q715H.
Identifiers: ClinVar variation 593405 (VCV000593405.13), dbSNP rs141235765, ClinGen allele CA4451147.